The following is an entry in ClinVar:

ClinVar aggregate classification (germline): Benign. Review status: criteria provided, multiple submitters, no conflicts (2 of 4 stars). 2 submissions from 2 submitters: Benign (2). Last evaluated 2018-01-13.

Conditions:
Isolated Nonsyndromic Congenital Heart Disease.

Allele frequency attached by ClinVar (database versions not stated): 1000 Genomes Project 0.22165; 1000 Genomes Project 30x 0.22220; TOPMed 0.26225; gnomAD 0.26933 and 0.27086; gnomAD exomes 0.38263.
gnomAD v4.1: 41,420 of 152,576 alleles (27%); highest among the groups gnomAD compares: Middle Eastern, 34%; 6,308 homozygotes.

Submissions (2):

Illumina Laboratory Services, Illumina
Classification: Benign for Isolated Nonsyndromic Congenital Heart Disease. Last evaluated: 2018-01-13. Review status: criteria provided, single submitter. Criteria: ICSL Variant Classification Criteria 13 December 2019. Collection method: clinical testing. Allele origin: germline.
Comment: This variant was observed in the ICSL laboratory as part of a predisposition screen in an ostensibly healthy population. It had not been previously curated by ICSL or reported in the Human Gene Mutation Database (HGMD: prior to June 1st, 2018), and was therefore a candidate for classification through an automated scoring system. Utilizing variant allele frequency, disease prevalence and penetrance estimates, and inheritance mode, an automated score was calculated to assess if this variant is too frequent to cause the disease. Based on the score and internal cut-off values, a variant classified as benign is not then subjected to further curation. The score for this variant resulted in a classification of benign for this disease.

Breakthrough Genomics
Classification: Benign. Review status: criteria provided, single submitter. Criteria: ACMG Guidelines, 2015. Collection method: not provided. Allele origin: germline. Inheritance: Autosomal dominant inheritance. Affected: yes.

NM_000214.3(JAG1):c.*1132T>G

Gene: JAG1 (jagged canonical Notch ligand 1; minus strand). Cytogenetic location: 20p12.2.
Variant type: single nucleotide variant.
Coding change: c.*1132T>G on transcript NM_000214.3 (MANE Select); 1132 bases downstream of the stop codon, T replaced by G.
Molecular consequence: 3 prime UTR variant.
Genome position (GRCh38, 1-based): chr20:10,638,366, A>C on the plus strand (T>G on the coding strand, the complement: JAG1 is on the minus strand). VCF-style: chr20-10638366-A-C. GRCh37 (hg19) VCF-style: chr20-10619014-A-C.
Other names: c.*1132T>G (LRG_1191t1).
Identifiers: ClinVar variation 337723 (VCV000337723.6), dbSNP rs7828, ClinGen allele CA10649357.
Genomic context (GRCh38, chr20:10,638,366, plus strand): 5'-AATCTACAAGTGGTTCAGTATTATGTACGAATGGTGAAAAGAAATCAGAATTTACAAAGT[A>C]AGATTGGTGTGCTTCCAAGTTCACACAATTAATTTGATATTTTTAATCATATTCAACCAC-3'